The following is an entry in ClinVar:

ClinVar aggregate classification (germline): Uncertain significance. Review status: criteria provided, multiple submitters, no conflicts (2 of 4 stars). 2 submissions from 2 submitters: Uncertain significance (2). Last evaluated 2024-06-13.

Conditions:
Acute lymphoid leukemia (ALL). Also called: Acute lymphoblastic leukemia; Acute lymphocytic leukemia; Lymphoblastic leukemia; Leukemia, acute lymphoblastic, somatic. Identifiers: Orphanet 513, MedGen C0023449, MONDO:0004967, OMIM 613065, HP:0006721.
Microcephaly, normal intelligence and immunodeficiency (NBS). Also called: IMMUNODEFICIENCY, MICROCEPHALY, AND CHROMOSOMAL INSTABILITY; SEEMANOVA SYNDROME II; Nijmegen breakage syndrome; Microcephaly with normal intelligence immunodeficiency and lymphoreticular malignancies; Nonsyndromal microcephaly autosomal recessive with normal intelligence; Seemanova syndrome 2. Identifiers: Orphanet 647, MedGen C0398791, MONDO:0009623, OMIM 251260.
Aplastic anemia. Identifiers: Orphanet 182040, Orphanet 88, MedGen C0002874, MONDO:0015909, OMIM 609135, HP:0001915.
Hereditary cancer-predisposing syndrome. Also called: Hereditary neoplastic syndrome; Neoplastic Syndromes, Hereditary; Tumor predisposition; Hereditary Cancer Syndrome. Identifiers: Orphanet 140162, MedGen C0027672, MeSH D009386, MONDO:0015356.

Submissions (2):

Fulgent Genetics
Classification: Uncertain significance for Microcephaly, normal intelligence and immunodeficiency; Aplastic anemia; Acute lymphoid leukemia. Last evaluated: 2024-06-13. Review status: criteria provided, single submitter. Criteria: ACMG Guidelines, 2015. Collection method: clinical testing. Allele origin: germline.

Ambry Genetics
Classification: Uncertain significance for Hereditary cancer-predisposing syndrome. Last evaluated: 2016-04-18. Review status: criteria provided, single submitter. Criteria: Ambry Variant Classification Scheme 2023. Collection method: clinical testing. Allele origin: germline.
Comment: The p.K591Q variant (also known as c.1771A>C), located in coding exon 11 of the NBN gene, results from an A to C substitution at nucleotide position 1771. The lysine at codon 591 is replaced by glutamine, an amino acid with similar properties. This variant was not reported in population based cohorts in the following databases: Database of Single Nucleotide Polymorphisms (dbSNP), NHLBI Exome Sequencing Project (ESP), and 1000 Genomes Project. In the ESP, this variant was not observed in 6502 samples (13004 alleles) with coverage at this position. To date, this alteration has been detected with an allele frequency of approximately 0.001% (greater than 120000 alleles tested) in our clinical cohort. This amino acid position is highly conserved in available vertebrate species. In addition, this alteration is predicted to be tolerated by in silico analysis. Since supporting evidence is limited at this time, the clinical significance of this alteration remains unclear.

NM_002485.5(NBN):c.1771A>C (p.Lys591Gln)

Gene: NBN (nibrin; minus strand). Cytogenetic location: 8q21.3.
Variant type: single nucleotide variant.
Coding change: c.1771A>C on transcript NM_002485.5 (MANE Select); coding-DNA position 1771, A replaced by C.
Protein change: p.Lys591Gln; replaces lysine 591 with glutamine.
Molecular consequence: missense variant.
Genome position (GRCh38, 1-based): chr8:89,953,318, T>G on the plus strand (A>C on the coding strand, the complement: NBN is on the minus strand). VCF-style: chr8-89953318-T-G. GRCh37 (hg19) VCF-style: chr8-90965546-T-G.
Other names: c.1525A>C, p.Lys509Gln (NM_001024688.3); short protein forms K591Q, K509Q.
Identifiers: ClinVar variation 481839 (VCV000481839.6), dbSNP rs1554558249, ClinGen allele CA371655129.
Genomic context (GRCh38, chr8:89,953,318, plus strand): 5'-TTTCTGGTACTGCTTCATCACTGAAAGTGTCATTTGTTTCTATATCCATCCTTGGCCTTT[T>G]TCTAACATTGACATCTTCCTCCTGTTTTTGAACTTTCACATCAATTTCTAACTCTGGTTT-3'
Protein context (NP_002476.2, residues 581-601): QKQEEDVNVR[Lys591Gln]RPRMDIETND